The following is an entry in ClinVar:

ClinVar aggregate classification (germline): Uncertain significance (1 of 4 stars; one submission).

Conditions:
KMT2D-related disorder. Also called: KMT2D-Related Disorders.

Submission:

PreventionGenetics, part of Exact Sciences
Classification: Uncertain significance for KMT2D-related condition. Last evaluated: 2025-02-06. Review status: criteria provided, single submitter. Criteria: ACMG Guidelines, 2015. Collection method: clinical testing. Allele origin: germline.
Comment: The KMT2D c.6653C>T variant is predicted to result in the amino acid substitution p.Pro2218Leu. To our knowledge, this variant has not been reported in the literature. This variant is reported in 0.0064% of alleles in individuals of East Asian descent in gnomAD. At this time, the clinical significance of this variant is uncertain due to the absence of conclusive functional and genetic evidence.

NM_003482.4(KMT2D):c.6653C>T (p.Pro2218Leu)

Gene: KMT2D (lysine methyltransferase 2D; minus strand). Cytogenetic location: 12q13.12.
Variant type: single nucleotide variant.
Coding change: c.6653C>T on transcript NM_003482.4 (MANE Select); coding-DNA position 6653, C replaced by T.
Protein change: p.Pro2218Leu; replaces proline 2218 with leucine.
Molecular consequence: missense variant.
Genome position (GRCh38, 1-based): chr12:49,041,117, G>A on the plus strand (C>T on the coding strand, the complement: KMT2D is on the minus strand). VCF-style: chr12-49041117-G-A. GRCh37 (hg19) VCF-style: chr12-49434900-G-A.
Other names: short protein forms P2218L.
Identifiers: ClinVar variation 2636304 (VCV002636304.2), dbSNP rs1278872705, ClinGen allele CA384750167.